The following is an entry in ClinVar:

NM_000081.4(LYST):c.3451G>C (p.Val1151Leu)

Gene: LYST (lysosomal trafficking regulator; minus strand). Cytogenetic location: 1q42.3.
Variant type: single nucleotide variant.
Coding change: c.3451G>C on transcript NM_000081.4 (MANE Select); coding-DNA position 3451, G replaced by C.
Protein change: p.Val1151Leu; replaces valine 1151 with leucine.
Molecular consequence: missense variant.
Genome position (GRCh38, 1-based): chr1:235,804,608, C>G on the plus strand (G>C on the coding strand, the complement: LYST is on the minus strand). VCF-style: chr1-235804608-C-G. GRCh37 (hg19) VCF-style: chr1-235967908-C-G.
Other names: c.3451G>C, p.Val1151Leu (NM_001301365.1); short protein forms V1151L.
Identifiers: ClinVar variation 2130027 (VCV002130027.3), dbSNP rs1672610570, ClinGen allele CA344948987.
Genomic context (GRCh38, chr1:235,804,608, plus strand): 5'-TCCCGAGGGCAACTCGAAGCAGGGCATCAAATAAAGGCTTTGCTAGTTGTGTTTCAATCA[C>G]CTTTGACTGGGAAAGATGGTCCCTCATTTCAAATAATATACTTTCCACAGACAAGTTCTA-3'
Protein context (NP_000072.2, residues 1141-1161): EMRDHLSQSK[Val1151Leu]IETQLAKPLF

ClinVar aggregate classification (germline): Uncertain significance (1 of 4 stars; one submission).

Conditions:
Chédiak-Higashi syndrome (CHS). Also called: Chediak-Higashi Syndrome. Identifiers: Orphanet 167, MedGen C0007965, MONDO:0008963, OMIM 214500.

Submission:

Labcorp Genetics (formerly Invitae), Labcorp
Classification: Uncertain significance for Chédiak-Higashi syndrome. Last evaluated: 2022-04-24. Review status: criteria provided, single submitter. Criteria: Invitae Variant Classification Sherloc (09022015). Collection method: clinical testing. Allele origin: germline.
Comment: Algorithms developed to predict the effect of missense changes on protein structure and function are either unavailable or do not agree on the potential impact of this missense change (SIFT: "Tolerated"; PolyPhen-2: "Probably Damaging"; Align-GVGD: "Class C0"). This variant has not been reported in the literature in individuals affected with LYST-related conditions. This variant is not present in population databases (gnomAD no frequency). This sequence change replaces valine, which is neutral and non-polar, with leucine, which is neutral and non-polar, at codon 1151 of the LYST protein (p.Val1151Leu). In summary, the available evidence is currently insufficient to determine the role of this variant in disease. Therefore, it has been classified as a Variant of Uncertain Significance.